The following is an entry in ClinVar:

NM_000138.5(FBN1):c.5959G>T (p.Gly1987Cys)

Gene: FBN1 (fibrillin 1; minus strand). Cytogenetic location: 15q21.1.
Variant type: single nucleotide variant.
Coding change: c.5959G>T on transcript NM_000138.5 (MANE Select); coding-DNA position 5959, G replaced by T.
Protein change: p.Gly1987Cys; replaces glycine 1987 with cysteine.
Molecular consequence: missense variant.
Genome position (GRCh38, 1-based): chr15:48,444,619, C>A on the plus strand (G>T on the coding strand, the complement: FBN1 is on the minus strand). VCF-style: chr15-48444619-C-A. GRCh37 (hg19) VCF-style: chr15-48736816-C-A.
Other names: c.5959G>T, p.Gly1987Cys (NM_001406716.1); short protein forms G1987C.
Identifiers: ClinVar variation 2946439 (VCV002946439.3), dbSNP rs727504642, ClinGen allele CA392339815.

ClinVar aggregate classification (germline): Likely pathogenic (1 of 4 stars; one submission).

Conditions:
Marfan syndrome (MFS). Also called: MARFAN SYNDROME, TYPE I; Marfan syndrome type 1; Marfan's syndrome; Marfan syndrome, classic; FBN1-Related Marfan Syndrome. Identifiers: Orphanet 284963, Orphanet 558, MedGen C0024796, MONDO:0007947, OMIM 154700.
Familial thoracic aortic aneurysm and aortic dissection (TAAD). Also called: Thoracic aortic aneurysms and dissections. Identifiers: Orphanet 91387, MedGen C4707243, MONDO:0019625.

Submission:

Labcorp Genetics (formerly Invitae), Labcorp
Classification: Likely pathogenic for Marfan syndrome; Familial thoracic aortic aneurysm and aortic dissection. Last evaluated: 2023-06-05. Review status: criteria provided, single submitter. Criteria: Invitae Variant Classification Sherloc (09022015). Collection method: clinical testing. Allele origin: germline.
Comment: In summary, the currently available evidence indicates that the variant is pathogenic, but additional data are needed to prove that conclusively. Therefore, this variant has been classified as Likely Pathogenic. This variant disrupts the p.Gly1987 amino acid residue in FBN1. Other variant(s) that disrupt this residue have been determined to be pathogenic (PMID: 11524736, 19293843; Invitae). This suggests that this residue is clinically significant, and that variants that disrupt this residue are likely to be disease-causing. Advanced modeling of protein sequence and biophysical properties (such as structural, functional, and spatial information, amino acid conservation, physicochemical variation, residue mobility, and thermodynamic stability) performed at Invitae indicates that this missense variant is expected to disrupt FBN1 protein function. This variant has not been reported in the literature in individuals affected with FBN1-related conditions. This variant is not present in population databases (gnomAD no frequency). This sequence change replaces glycine, which is neutral and non-polar, with cysteine, which is neutral and slightly polar, at codon 1987 of the FBN1 protein (p.Gly1987Cys).

Literature cited by the submitters: PubMed 11524736; PubMed 19293843.